The following is an entry in ClinVar:

ClinVar aggregate classification (germline): Uncertain significance (1 of 4 stars; one submission).

Submission:

GeneDx
Classification: Uncertain significance. Last evaluated: 2024-04-24. Review status: criteria provided, single submitter. Criteria: GeneDx Variant Classification Process June 2021. Collection method: clinical testing. Allele origin: germline. Affected: yes.
Comment: Not observed at significant frequency in large population cohorts (gnomAD); In silico analysis supports that this missense variant has a deleterious effect on protein structure/function; Has not been previously published as pathogenic or benign to our knowledge

NM_018896.5(CACNA1G):c.460C>T (p.Arg154Trp)

Gene: CACNA1G (calcium voltage-gated channel subunit alpha1 G; plus strand). Cytogenetic location: 17q21.33.
Variant type: single nucleotide variant.
Coding change: c.460C>T on transcript NM_018896.5 (MANE Select); coding-DNA position 460, C replaced by T.
Protein change: p.Arg154Trp; replaces arginine 154 with tryptophan.
Molecular consequence: missense variant. On other transcripts: non-coding transcript variant (5).
Genome position (GRCh38, 1-based): chr17:50,569,270, C>T. VCF-style: chr17-50569270-C-T. GRCh37 (hg19) VCF-style: chr17-48646631-C-T.
Other names: c.460C>T, p.Arg154Trp (NM_001256324.2, NM_001256325.2, NM_001256326.2 and 24 more transcripts); short protein forms R154W.
Identifiers: ClinVar variation 3368691 (VCV003368691.1).
Genomic context (GRCh38, chr17:50,569,270, plus strand): 5'-GTGAAGATGGTGGCCTTGGGCATCTTTGGGAAAAAGTGTTACCTGGGAGACACTTGGAAC[C>T]GGCTTGACTTTTTCATCGTCATCGCAGGGTGAGGACCTGGGCTGGGGTGGGAGAGCAATG-3'
Protein context (NP_061496.2, residues 144-164): KKCYLGDTWN[Arg154Trp]LDFFIVIAGM